The following continues an entry in ClinVar:

NM_000463.3(UGT1A1):c.1456T>G (p.Tyr486Asp)

ClinVar aggregate classification (germline): Pathogenic/Likely pathogenic. Pathogenic (13); Likely pathogenic (3).

Submissions 10 to 19 of 19:

3billion
Classification: Pathogenic for Crigler-Najjar syndrome, type II. Last evaluated: 2022-01-03. Review status: criteria provided, single submitter. Criteria: ACMG Guidelines, 2015. Collection method: clinical testing. Allele origin: germline. Affected: yes. Observed: 1 homozygote.
Comment: Same nucleotide change resulting in same amino acid change has been previously reported as pathogenic/likely pathogenic with strong evidence (ClinVar ID: VCV000012281, PMID:8280139, PS1_S). The variant has been reported to be in trans with a pathogenic variant as either compound heterozygous or homozygous in at least one similarly affected unrelated individual (PMID: 25993113, PM3_M). It was co-segregated with Crigler-Najjar syndrome, type II in multiple affected family members (PP1_P). Functional studies provide moderate evidence of the variant having a damaging effect on the gene or gene product(PMID: 18004206, PS3_M). In silico tool predictions suggest damaging effect of the variant on gene or gene product (REVEL: 0.894, PP3_P). A missense variant is a common mechanism associated with Crigler-Najjar syndrome (PP2_P). It is observed at an extremely low frequency in the gnomAD v2.1.1 dataset (total allele frequency: 0.000216, PM2_M).herefore, this variant is classified as pathogenic according to the recommendation of ACMG/AMP guideline.

Laboratory for Molecular Medicine, Mass General Brigham Personalized Medicine
Classification: Likely pathogenic for Crigler-Najjar syndrome, type II. Last evaluated: 2020-06-09. Review status: criteria provided, single submitter. Criteria: LMM Criteria. Collection method: clinical testing. Allele origin: germline. Inheritance: Autosomal recessive inheritance. Observed: 1 variant allele.
Comment: The p.Tyr486Asp variant in UGT1A1 (variant also known as UGT1A1*7) has been reported in the homozygous or compound heterogygous state in numerous individuals with Gilbert syndrome or Crigler-Najjar syndrome type II (Maruo 2000 PMID: 11061796, Kraemer 2002 PMID: 11983459, Takeuchi 2004 PMID: 15304120, Maruo 2016 PMID: 26250421, Sun 2017 PMID 29137095). The majority of p.Tyr486Asp homozygous individuals with Gilbert syndrome or Crigler-Najjar syndrome type II also carry the p.Gly71Arg variant in the heterozygous or homozygous state. This variant has also been reported in ClinVar (Variation ID 12281). It has been identified in 0.1% (36/19954) of East Asian chromosomes by gnomAD. Computational prediction tools and conservation analyses suggest that this variant may impact the protein, though this information is not predictive enough to determine pathogenicity. In vitro functional studies provide some evidence that this variant impacts protein function (Takahashi 2008 PMID: 18816295, Gagne 2002 PMID: 12181437, Jinno 2003 PMID: 12485959); however, these types of assays may not accurately represent biological function. In summary, although additional studies are required to fully establish its clinical significance, this variant meets criteria to be classified as likely pathogenic for autosomal recessive Crigler-Najjar syndrome type II. ACMG/AMP Criteria applied: PS3_Moderate, PM2_Supporting, PP3, PM3_Strong.

Fulgent Genetics
Classification: Likely pathogenic for Gilbert syndrome; Crigler-Najjar syndrome type 1; Lucey-Driscoll syndrome; BILIRUBIN, SERUM LEVEL OF, QUANTITATIVE TRAIT LOCUS 1; Crigler-Najjar syndrome, type II. Last evaluated: 2018-10-31. Review status: criteria provided, single submitter. Criteria: ACMG Guidelines, 2015. Collection method: clinical testing. Allele origin: unknown.

Genetic Services Laboratory, University of Chicago
Classification: Pathogenic for Hyperbilirubinemia. Last evaluated: 2014-04-10. Review status: criteria provided, single submitter. Criteria: ACMG Guidelines, 2007. Collection method: clinical testing. Allele origin: germline. Inheritance: Autosomal recessive inheritance. Affected: yes.

Juno Genomics, Hangzhou Juno Genomics, Inc
Classification: Pathogenic for BILIRUBIN, SERUM LEVEL OF, QUANTITATIVE TRAIT LOCUS 1; Gilbert syndrome; Crigler-Najjar syndrome type 1; Crigler-Najjar syndrome, type II; Lucey-Driscoll syndrome. Review status: criteria provided, single submitter. Criteria: ACMG Guidelines, 2015. Collection method: clinical testing. Allele origin: germline.
Comment: For recessive disorders, detected in trans with a pathogenic variant.;Co-segregation with disease in multiple affected family members.;Well-established in vitro or in vivo functional studies supportive of a damaging effect on the gene or gene product.

Kariminejad - Najmabadi Pathology & Genetics Center
Classification: Pathogenic for Crigler-Najjar syndrome type 1. Review status: criteria provided, single submitter. Criteria: ACMG Guidelines, 2015. Collection method: clinical testing. Allele origin: germline. Affected: no.

Neuberg Centre For Genomic Medicine, NCGM
Classification: Pathogenic for Crigler-Najjar syndrome, type II. Review status: criteria provided, single submitter. Criteria: ACMG Guidelines, 2015. Collection method: clinical testing. Allele origin: germline. Affected: yes.
Comment: The p.Tyr486Asp variant in UGT1A1 (NM_000463.3) has been reported in the homozygous or compound heterogygous state in numerous individuals with Gilbert syndrome or Crigler-Najjar syndrome type II (Maruo et al, 2000). Functional studies have reported a reduction in enzyme activity (Udomuksorn W et al). It has been submitted to ClinVar as a Pathogenic/Likely Pathogenic variant. The p.Y486D variant is observed at a relatively high frequency in 32/18,394 (0.174%) alleles from individuals of East Asian background in gnomAD Exomes and in 3/1,008 (0.2976%) alleles from individuals of East Asian background in 1000 Genomes. The p.Y486D missense variant is predicted to be damaging by both SIFT and PolyPhen2. The tyrosine residue at codon 486 of UGT1A1 is conserved in all mammalian species. The nucleotide c.1456 in UGT1A1 is predicted conserved by GERP++ and PhyloP across 100 vertebrates. For these reasons, this variant has been classified as Pathogenic

Difficult and Complicated Liver Diseases and Artificial Liver Center, Beijing You An Hospital, Capital Medical University
Classification: Pathogenic for Gilbert syndrome. Last evaluated: 2019-05-01. Review status: no assertion criteria provided. Collection method: case-control. Allele origin: inherited. Observed: 6 variant alleles. Not counted in ClinVar's aggregate classification.

OMIM
Classification: Pathogenic for HYPERBILIRUBINEMIA, TRANSIENT FAMILIAL NEONATAL. Last evaluated: 2007-12-01. Review status: no assertion criteria provided. Collection method: literature only. Allele origin: germline. Not counted in ClinVar's aggregate classification.

OMIM
Classification: Pathogenic for CRIGLER-NAJJAR SYNDROME, TYPE II. Last evaluated: 2007-12-01. Review status: no assertion criteria provided. Collection method: literature only. Allele origin: germline. Not counted in ClinVar's aggregate classification.

Literature cited by the submitters: PubMed 18419642 (cited by Labcorp Genetics (formerly Invitae), Labcorp); PubMed 22169899 (cited by Labcorp Genetics (formerly Invitae), Labcorp); PubMed 29137095 (cited by Labcorp Genetics (formerly Invitae), Labcorp and Laboratory for Molecular Medicine, Mass General Brigham Personalized Medicine); PubMed 9630669 (cited by Labcorp Genetics (formerly Invitae), Labcorp); PubMed 21297505 (cited by Labcorp Genetics (formerly Invitae), Labcorp); PubMed 21319362 (cited by Labcorp Genetics (formerly Invitae), Labcorp); PubMed 24749086 (cited by Labcorp Genetics (formerly Invitae), Labcorp); PubMed 12181437 (cited by Labcorp Genetics (formerly Invitae), Labcorp and Laboratory for Molecular Medicine, Mass General Brigham Personalized Medicine); PubMed 8280139 (cited by 3billion); PubMed 25993113 (cited by 3billion); PubMed 18004206 (cited by 3billion and OMIM); PubMed 15304120 (cited by Laboratory for Molecular Medicine, Mass General Brigham Personalized Medicine); PubMed 12485959 (cited by Laboratory for Molecular Medicine, Mass General Brigham Personalized Medicine); PubMed 15304109 (cited by Laboratory for Molecular Medicine, Mass General Brigham Personalized Medicine); PubMed 11983459 (cited by Laboratory for Molecular Medicine, Mass General Brigham Personalized Medicine); PubMed 11061796 (cited by Laboratory for Molecular Medicine, Mass General Brigham Personalized Medicine and OMIM); PubMed 26250421 (cited by Laboratory for Molecular Medicine, Mass General Brigham Personalized Medicine).